The following is an entry in ClinVar:

NM_000091.5(COL4A3):c.3622dup (p.Ala1208fs)

Genes: COL4A3 (collagen type IV alpha 3 chain; plus strand), MFF-DT (MFF divergent transcript; minus strand). Cytogenetic location: 2q36.3.
Variant type: Duplication.
Coding change: c.3622dup on transcript NM_000091.5 (MANE Select); coding-DNA position 3622, one base duplicated (G; older notation c.3622dupG).
Protein change: p.Ala1208fs; shifts the reading frame from alanine 1208.
Molecular consequence: frameshift variant.
Genome position (GRCh38, 1-based): chr2:227,297,730, G duplicated; the last of 4 consecutive G bases (chr2:227,297,727-227,297,730); duplicating any one gives the same sequence. VCF-style (leftmost placement, unchanged base first): chr2-227297726-A-AG. GRCh37 (hg19) VCF-style: chr2-228162442-A-AG.
Other names: short protein forms A1208fs.
Identifiers: ClinVar variation 5011897 (VCV005011897.1).

ClinVar aggregate classification (germline): Pathogenic (1 of 4 stars; one submission).

Conditions:
Alport syndrome. Also called: Hemorrhagic familial nephritis; Hemorrhagic hereditary nephritis; Congenital hereditary hematuria. Identifiers: Orphanet 63, MedGen C1567741, MONDO:0018965.

Submission:

Myriad Genetics, Inc.
Classification: Pathogenic for Alport syndrome. Last evaluated: 2023-09-27. Review status: criteria provided, single submitter. Criteria: Myriad Autosomal Dominant, Autosomal Recessive and X-Linked Classification Criteria (2023). Collection method: clinical testing. Allele origin: unknown.
Comment: NM_000091.4(COL4A3):c.3622dupG(A1208Gfs*101) is expected to be pathogenic in the context of Alport syndrome, COL4A3-related. This variant is predicted to lead to an abnormal or absent protein product due to the creation of a premature termination codon in COL4A3, a gene where loss-of-function variants are known to be pathogenic. Please note: this variant was assessed in the context of healthy population screening.